The following is an entry in ClinVar:

NM_205861.3(DHDDS):c.631C>T (p.Arg211Trp)

Gene: DHDDS (dehydrodolichyl diphosphate synthase subunit; plus strand). Cytogenetic location: 1p36.11.
Variant type: single nucleotide variant.
Coding change: c.631C>T on transcript NM_205861.3 (MANE Select); coding-DNA position 631, C replaced by T.
Protein change: p.Arg211Trp; replaces arginine 211 with tryptophan.
Molecular consequence: missense variant.
Genome position (GRCh38, 1-based): chr1:26,457,879, C>T. VCF-style: chr1-26457879-C-T. GRCh37 (hg19) VCF-style: chr1-26784370-C-T.
Other names: c.529C>T, p.Arg177Trp (NM_001243564.2); c.514C>T, p.Arg172Trp (NM_001243565.2); c.352C>T, p.Arg118Trp (NM_001319959.2); c.631C>T, p.Arg211Trp (NM_024887.4); short protein forms R118W, R177W, R211W, R172W.
Identifiers: ClinVar variation 3654624 (VCV003654624.2).

ClinVar aggregate classification (germline): Uncertain significance (1 of 4 stars; one submission).

Conditions:
Retinitis pigmentosa 59 (RP59). Identifiers: Orphanet 791, MedGen C3151227, MONDO:0013468, OMIM 613861.

Submission:

Labcorp Genetics (formerly Invitae), Labcorp
Classification: Uncertain significance for Retinitis pigmentosa 59. Last evaluated: 2024-05-26. Review status: criteria provided, single submitter. Criteria: Invitae Variant Classification Sherloc (09022015). Collection method: clinical testing. Allele origin: germline.
Comment: This sequence change replaces arginine, which is basic and polar, with tryptophan, which is neutral and slightly polar, at codon 211 of the DHDDS protein (p.Arg211Trp). This variant is not present in population databases (gnomAD no frequency). This variant has not been reported in the literature in individuals affected with DHDDS-related conditions. Advanced modeling of protein sequence and biophysical properties (such as structural, functional, and spatial information, amino acid conservation, physicochemical variation, residue mobility, and thermodynamic stability) performed at Invitae indicates that this missense variant is expected to disrupt DHDDS protein function with a positive predictive value of 80%. This variant disrupts the p.Arg211 amino acid residue in DHDDS. Other variant(s) that disrupt this residue have been determined to be pathogenic (PMID: 29100083, 31440733). This suggests that this residue is clinically significant, and that variants that disrupt this residue are likely to be disease-causing. In summary, the available evidence is currently insufficient to determine the role of this variant in disease. Therefore, it has been classified as a Variant of Uncertain Significance.

Literature cited by the submitters: PubMed 29100083; PubMed 31440733.